The following is an entry in ClinVar:

ClinVar aggregate classification (germline): Likely benign (0 of 4 stars; one submission).

Conditions:
CACNA1I-related disorder. Also called: CACNA1I-related condition.

Allele frequency attached by ClinVar (database versions not stated): gnomAD 0.00009; TOPMed 0.00009; gnomAD exomes 0.00014; ExAC 0.00022; ESP Exome Variant Server 0.00033.
gnomAD v4.1: 215 of 1,584,864 alleles (0.014%); highest among the groups gnomAD compares: Non-Finnish European, 0.017%; no homozygotes.

Submission:

PreventionGenetics, part of Exact Sciences
Classification: Likely benign for CACNA1I-related condition. Last evaluated: 2019-03-29. Review status: no assertion criteria provided. Collection method: clinical testing. Allele origin: germline.
Comment: This variant is classified as likely benign based on ACMG/AMP sequence variant interpretation guidelines (Richards et al. 2015 PMID: 25741868, with internal and published modifications).

NM_021096.4(CACNA1I):c.1463-3C>T

Gene: CACNA1I (calcium voltage-gated channel subunit alpha1 I; plus strand). Cytogenetic location: 22q13.1.
Variant type: single nucleotide variant.
Coding change: c.1463-3C>T on transcript NM_021096.4 (MANE Select); 3 bases into the intron before coding-DNA position 1463, C replaced by T.
Molecular consequence: intron variant.
Genome position (GRCh38, 1-based): chr22:39,647,819, C>T. VCF-style: chr22-39647819-C-T. GRCh37 (hg19) VCF-style: chr22-40043824-C-T.
Other names: c.1462+938C>T (NM_001003406.2).
Identifiers: ClinVar variation 3053551 (VCV003053551.2), dbSNP rs372744428, ClinGen allele CA10243850.
Genomic context (GRCh38, chr22:39,647,819, plus strand): 5'-TCATCTGTTCCAGGAAACGGTCCTGAGAAGGGAGAAGATAGTAATATTATCTCCACTTTT[C>T]AGATGGGAAGACTAAGGGTCAGGGAGATGAAGGGAGACATCTCGGAAGCCGGCATTGCCA-3'